The following is an entry in ClinVar:

ClinVar aggregate classification (germline): Benign (0 of 4 stars; one submission).

Conditions:
TNS1-related disorder. Also called: TNS1-related condition.

Allele frequency attached by ClinVar (database versions not stated): 1000 Genomes Project 0.61022; 1000 Genomes Project 30x 0.62024; gnomAD 0.64438; TOPMed 0.65856; ESP Exome Variant Server 0.66408.
gnomAD v4.1: 968,145 of 1,613,192 alleles (60%); highest among the groups gnomAD compares: African/African-American, 78%; 293,610 homozygotes.

Submission:

PreventionGenetics, part of Exact Sciences
Classification: Benign for TNS1-related condition. Last evaluated: 2019-10-17. Review status: no assertion criteria provided. Collection method: clinical testing. Allele origin: germline.
Comment: This variant is classified as benign based on ACMG/AMP sequence variant interpretation guidelines (Richards et al. 2015 PMID: 25741868, with internal and published modifications).

NM_001387777.1(TNS1):c.5122G>A (p.Val1708Ile)

Gene: TNS1 (tensin 1; minus strand). Cytogenetic location: 2q35.
Variant type: single nucleotide variant.
Coding change: c.5122G>A on transcript NM_001387777.1 (MANE Select); coding-DNA position 5122, G replaced by A.
Protein change: p.Val1708Ile; replaces valine 1708 with isoleucine.
Molecular consequence: missense variant.
Genome position (GRCh38, 1-based): chr2:217,809,974, C>T on the plus strand (G>A on the coding strand, the complement: TNS1 is on the minus strand). VCF-style: chr2-217809974-C-T. GRCh37 (hg19) VCF-style: chr2-218674697-C-T.
Other names: c.4768G>A, p.Val1590Ile (NM_001308022.2); c.4747G>A, p.Val1583Ile (NM_001308023.2); c.4810G>A, p.Val1604Ile (NM_022648.7); short protein forms V1583I, V1590I, V1604I, V1708I.
Identifiers: ClinVar variation 3060255 (VCV003060255.2), dbSNP rs918949, ClinGen allele CA2099378.